The following is an entry in ClinVar:

NM_177438.3(DICER1):c.2002del (p.Tyr668fs)

Gene: DICER1 (dicer 1, ribonuclease III; minus strand). Cytogenetic location: 14q32.13.
Variant type: Deletion.
Coding change: c.2002del on transcript NM_177438.3 (MANE Select); coding-DNA position 2002, one base deleted (T; older notation c.2002delT).
Protein change: p.Tyr668fs; shifts the reading frame from tyrosine 668.
Molecular consequence: frameshift variant. On other transcripts: non-coding transcript variant (6).
Genome position (GRCh38, 1-based): chr14:95,113,130, A deleted on the plus strand (T on the coding strand, the reverse complement: DICER1 is on the minus strand); the first of 3 consecutive A bases (chr14:95,113,130-95,113,132); deleting any one gives the same sequence. VCF-style (leftmost placement, unchanged base first): chr14-95113129-TA-T. GRCh37 (hg19) VCF-style: chr14-95579466-TA-T.
Other names: c.2002del, p.Tyr668fs (NM_001195573.1, NM_001271282.3, NM_001291628.2 and 12 more transcripts); c.1720del, p.Tyr574fs (NM_001395686.1); c.1597del, p.Tyr533fs (NM_001395687.1, NM_001395688.1, NM_001395689.1 and 3 more transcripts); c.1435del, p.Tyr479fs (NM_001395691.1); c.319del, p.Tyr107fs (NM_001395697.1); short protein forms Y107fs, Y479fs, Y533fs, Y574fs, Y668fs.
Identifiers: ClinVar variation 4875987 (VCV004875987.1).
Genomic context (GRCh38, chr14:95,113,129, plus strand): 5'-ATCATTTCTTCTTCTAAACTTACAACAATGGAGGCTCGAAGAGGTGAGTTAATTGGCAGA[TA>T]AAGAGTTGAATAAAATGTACCATCAGGCAACTCTCGGGTTCTGCATTTAGGAGCTAGATG-3'

ClinVar aggregate classification (germline): Pathogenic (1 of 4 stars; one submission).

Conditions:
DICER1-related tumor predisposition. Also called: DICER1 syndrome; DICER1-related pleuropulmonary blastoma cancer predisposition syndrome. Identifiers: Orphanet 284343, MedGen C3839822, MONDO:0100216.

Submission:

Myriad Genetics, Inc.
Classification: Pathogenic for DICER1-related tumor predisposition. Last evaluated: 2026-05-05. Review status: criteria provided, single submitter. Criteria: Myriad Autosomal Dominant, Autosomal Recessive and X-Linked Classification Criteria (2023). Collection method: clinical testing. Allele origin: unknown.
Comment: This variant is considered pathogenic. This variant creates a frameshift predicted to result in premature protein truncation.